The following is an entry in ClinVar:

NM_025114.4(CEP290):c.627dup (p.Lys210Ter)

Gene: CEP290 (centrosomal protein 290; minus strand). Cytogenetic location: 12q21.32.
Variant type: Duplication.
Coding change: c.627dup on transcript NM_025114.4 (MANE Select); coding-DNA position 627, one base duplicated (T; older notation c.627dupT).
Protein change: p.Lys210Ter; replaces lysine 210 with a stop codon.
Molecular consequence: nonsense.
Genome position (GRCh38, 1-based): chr12:88,130,310, A duplicated on the plus strand (T on the coding strand, the reverse complement: CEP290 is on the minus strand). VCF-style (leftmost placement, unchanged base first): chr12-88130309-T-TA. GRCh37 (hg19) VCF-style: chr12-88524086-T-TA.
Other names: short protein forms K210*.
Identifiers: ClinVar variation 4816232 (VCV004816232.1).

ClinVar aggregate classification (germline): Likely pathogenic (1 of 4 stars; one submission).

Conditions:
Leber congenital amaurosis (LCA). Also called: Leber's amaurosis. Identifiers: Orphanet 65, MedGen C0339527, MeSH D057130, MONDO:0018998.

Submission:

Natera, Inc.
Classification: Likely pathogenic for Leber congenital amaurosis. Last evaluated: 2025-06-24. Review status: criteria provided, single submitter. Criteria: Natera Variant Classification Schema (03/2026). Collection method: clinical testing. Allele origin: germline.
Comment: The c.627dup variant in CEP290 is a frameshift variant predicted to shift the reading frame and introduce a stop codon. This variant is expected to result in nonsense mediated decay, truncation, or a dysfunctional protein product. This variant is rare in the general population with a frequency below the threshold expected for the associated phenotype(s). Given the available evidence, this variant is classified as Likely Pathogenic.